The following is an entry in ClinVar:

ClinVar aggregate classification (germline): Likely pathogenic. Review status: reviewed by expert panel (3 of 4 stars). 2 submissions from 2 submitters: Likely pathogenic (1). 1 of the submissions does not count toward it. Last evaluated 2025-08-04.

Conditions:
RPGR-related retinopathy. Also called: RPGR retinopathy. Identifiers: MedGen CN305589, MONDO:0100437.
Primary ciliary dyskinesia. Also called: Ciliary dyskinesia. Identifiers: Orphanet 244, MedGen C0008780, MONDO:0016575, HP:0012265.

Submissions (2):

ClinGen X-linked Inherited Retinal Disease Variant Curation Expert Panel, ClinGen
Classification: Likely pathogenic for RPGR-related retinopathy. Last evaluated: 2025-08-04. Review status: reviewed by expert panel. Criteria: ClinGen X LinkedIRD ACMG Specifications RPGR V1.0.0. Collection method: curation. Allele origin: germline. Inheritance: X-linked inheritance.
Comment: NM_001034853.2(RPGR):c.2248G>T (p.Glu750Ter) is a nonsense variant that substitutes a premature stop in codon for amino acid 750 within exon 15 of 15, which is predicted to disrupt a critical C-terminal region required for proper glutamylation of RPGR (PVS1, PMID: 36445968). This variant is absent from gnomAD v4.1.0 (PM2_Supporting). This variant has been reported in at least 1 proband meeting one of the PS4 requirements of some functional vision impairment in affected males by age 30 years and/or decreased or absent electroretinogram responses, or a female with functional visual abnormality and documentation of an affected male relative (PMID: 34745198). However, PS4_Supporting requires at least 2 unrelated probands, so this criterion was not met. The variant has been reported in a family in which 3 members are affected with retinal dystrophy, however, only the proband has been genotyped, so the PP1 code is not met (PMID: 34745198). At least one proband harboring this variant exhibits a phenotype including family history consistent with X-linked inheritance (2 pts), early onset (1 pts), night blindness (0.5 pts), reduced visual acuity (0.5 pts), and genetic testing with exome sequencing finding no alternative basis for retinal disease (2 pts), which together are specific for RPGR-related retinopathy (6 points, PMID: 34745198). In summary, this variant is classified as likely pathogenic for RPGR-related retinopathy based on the ClinGen X-linked Inherited Retinal Disease Expert Panel Specifications to the ACMG/AMP Variant Interpretation Guidelines for RPGR Version 1.0.0; PVS1 and PM2_Supporting. (date of approval 05/16/2025).

Labcorp Genetics (formerly Invitae), Labcorp
Classification: Pathogenic for Primary ciliary dyskinesia. Last evaluated: 2023-08-04. Review status: criteria provided, single submitter. Criteria: Invitae Variant Classification Sherloc (09022015). Collection method: clinical testing. Allele origin: germline. Not counted in ClinVar's aggregate classification.
Comment: This variant has not been reported in the literature in individuals affected with RPGR (ORF15)-related conditions. ClinVar contains an entry for this variant (Variation ID: 2099208). This variant disrupts a region of the RPGR (ORF15) protein in which other variant(s) (p.Leu1130Lysfs*13) have been determined to be pathogenic (PMID: 22264887; Invitae). This suggests that this is a clinically significant region of the protein, and that variants that disrupt it are likely to be disease-causing. For these reasons, this variant has been classified as Pathogenic. This variant is not present in population databases (gnomAD no frequency). This sequence change creates a premature translational stop signal (p.Glu750*) in the RPGR (ORF15) gene. While this is not anticipated to result in nonsense mediated decay, it is expected to disrupt the last 403 amino acid(s) of the RPGR (ORF15) protein.

Literature cited by the submitters: PubMed 22264887 (cited by Labcorp Genetics (formerly Invitae), Labcorp).

NM_001034853.2(RPGR):c.2248G>T (p.Glu750Ter)

Gene: RPGR (retinitis pigmentosa GTPase regulator; minus strand). Cytogenetic location: Xp11.4.
Variant type: single nucleotide variant.
Coding change: c.2248G>T on transcript NM_001034853.2 (MANE Select); coding-DNA position 2248, G replaced by T.
Protein change: p.Glu750Ter; replaces glutamic acid 750 with a stop codon.
Molecular consequence: nonsense. On other transcripts: intron variant (8).
Genome position (GRCh38, 1-based): chrX:38,286,751, C>A on the plus strand (G>T on the coding strand, the complement: RPGR is on the minus strand). VCF-style: chrX-38286751-C-A. GRCh37 (hg19) VCF-style: chrX-38146004-C-A.
Other names: NM_001034853.2(RPGR):c.2248G>T; p.Glu750Ter; c.1569+4208G>T (NM_001367249.1, NM_001367250.1); c.1902+343G>T (NM_001367245.1); c.1386+4208G>T (NM_001367251.1); c.1719+343G>T (NM_001367246.1); c.1572+4208G>T (NM_001367247.1); c.1905+343G>T (NM_000328.3); and 1 more; short protein forms E750*.
Identifiers: ClinVar variation 2099208 (VCV002099208.5), dbSNP rs867420711, ClinGen allele CA327916152.